The following is an entry in ClinVar:

NM_024408.4(NOTCH2):c.7049G>T (p.Ser2350Ile)

Gene: NOTCH2 (notch receptor 2; minus strand). Cytogenetic location: 1p12.
Variant type: single nucleotide variant.
Coding change: c.7049G>T on transcript NM_024408.4 (MANE Select); coding-DNA position 7049, G replaced by T.
Protein change: p.Ser2350Ile; replaces serine 2350 with isoleucine.
Molecular consequence: missense variant.
Genome position (GRCh38, 1-based): chr1:119,915,673, C>A on the plus strand (G>T on the coding strand, the complement: NOTCH2 is on the minus strand). VCF-style: chr1-119915673-C-A. GRCh37 (hg19) VCF-style: chr1-120458296-C-A.
Other names: short protein forms S2350I.
Identifiers: ClinVar variation 4998806 (VCV004998806.1).
Genomic context (GRCh38, chr1:119,915,673, plus strand): 5'-AGAATGGTCTGAGCTACCTGCCCGTCCTGCTGGGGCATCATGGCAGTGGGGAAAGCCACA[C>A]TGGGCAAACGGGCCATTTCTGGAATCTGGTACATGGTGGGCAGGGGGCCCGCAACAGCTG-3'
Protein context (NP_077719.2, residues 2340-2360): YQIPEMARLP[Ser2350Ile]VAFPTAMMPQ

ClinVar aggregate classification (germline): Uncertain significance (1 of 4 stars; one submission).

Conditions:
NOTCH2-related disorder. Also called: NOTCH2-related condition.

Submission:

PreventionGenetics, part of Exact Sciences
Classification: Uncertain significance for NOTCH2-related condition. Last evaluated: 2025-09-30. Review status: criteria provided, single submitter. Criteria: ACMG Guidelines, 2015. Collection method: clinical testing. Allele origin: germline.
Comment: The NOTCH2 c.7049G>T variant is predicted to result in the amino acid substitution p.Ser2350Ile. To our knowledge, this variant has not been reported in the literature or in a large population database (gnomAD), indicating this variant is rare. At this time, the clinical significance of this variant is uncertain due to the absence of conclusive functional and genetic evidence.